The following is an entry in ClinVar:

NM_016507.4(CDK12):c.1705_1707del (p.Ser569del)

Gene: CDK12 (cyclin dependent kinase 12; plus strand). Cytogenetic location: 17q12.
Variant type: Deletion.
Coding change: c.1705_1707del on transcript NM_016507.4 (MANE Select); coding-DNA positions 1705 to 1707, 3 bases deleted (TCT; older notation c.1705_1707delTCT).
Protein change: p.Ser569del; deletes serine 569.
Molecular consequence: inframe deletion.
Genome position (GRCh38, 1-based): chr17:39,471,537-39,471,539, TCT deleted; deleting any 3 consecutive bases within chr17:39,471,535-39,471,539 gives the same sequence; the c. name uses the placement nearest the transcript's 3' end. VCF-style (leftmost placement, unchanged base first): chr17-39471534-CCTT-C. GRCh37 (hg19) VCF-style: chr17-37627787-CCTT-C.
Other names: c.1705_1707del, p.Ser569del (NM_015083.4); short protein forms S569del.
Identifiers: ClinVar variation 133868 (VCV000133868.1), dbSNP rs587778181, ClinGen allele CA158028.

ClinVar aggregate classification (germline): not provided (0 of 4 stars; one submission).

Submission:

ITMI
No classification provided. Condition: AllHighlyPenetrant. Last evaluated: 2013-09-19. Review status: no classification provided. Collection method: reference population. Allele origin: germline.
Comment: Please see associated publication for description of ethnicities

Literature cited by the submitters: PubMed 24728327.